The following is an entry in ClinVar:

NM_001357.5(DHX9):c.2248A>G (p.Thr750Ala)

Gene: DHX9 (DExH-box helicase 9; plus strand). Cytogenetic location: 1q25.3.
Variant type: single nucleotide variant.
Coding change: c.2248A>G on transcript NM_001357.5 (MANE Select); coding-DNA position 2248, A replaced by G.
Protein change: p.Thr750Ala; replaces threonine 750 with alanine.
Molecular consequence: missense variant. On other transcripts: non-coding transcript variant (1).
Genome position (GRCh38, 1-based): chr1:182,878,070, A>G. VCF-style: chr1-182878070-A-G. GRCh37 (hg19) VCF-style: chr1-182847205-A-G.
Other names: short protein forms T750A.
Identifiers: ClinVar variation 3252928 (VCV003252928.1), dbSNP rs2526439860.
Genomic context (GRCh38, chr1:182,878,070, plus strand): 5'-TTCCTATGTAGGCAGAAAGTGAAACTCTTCACTGCTCACAACAATATGACCAACTATGCT[A>G]CCGTATGGGCATCAAAAACAAACCTTGAGCAACGGAAAGGGCGAGCTGGCCGAGTACGGC-3'
Protein context (NP_001348.2, residues 740-760): TAHNNMTNYA[Thr750Ala]VWASKTNLEQ

ClinVar aggregate classification (germline): Uncertain significance (1 of 4 stars; one submission).

Submission:

GeneDx
Classification: Uncertain significance. Last evaluated: 2024-07-16. Review status: criteria provided, single submitter. Criteria: GeneDx Variant Classification Process June 2021. Collection method: clinical testing. Allele origin: germline. Affected: yes.
Comment: Not observed at significant frequency in large population cohorts (gnomAD); In silico analysis supports that this missense variant has a deleterious effect on protein structure/function; Has not been previously published as pathogenic or benign to our knowledge